The following is an entry in ClinVar:

ClinVar aggregate classification (germline): Benign (1 of 4 stars; one submission).

Allele frequency attached by ClinVar (database versions not stated): gnomAD exomes 0.00006 and 0.00017; ExAC 0.00009; gnomAD 0.00010 and 0.00012; 1000 Genomes Project 30x 0.00021; 1000 Genomes Project 0.00026.
gnomAD v4.1: 76 of 1,209,916 alleles (0.0063%); highest among the groups gnomAD compares: Non-Finnish European, 0.00011%; 1 homozygote.

Submission:

GeneDx
Classification: Benign. Last evaluated: 2020-07-02. Review status: criteria provided, single submitter. Criteria: GeneDx Variant Classification Process June 2021. Collection method: clinical testing. Allele origin: germline. Affected: yes.
Comment: Has not been previously published as pathogenic or benign to our knowledge; In-silico analysis, which includes splice predictors and evolutionary conservation, is inconclusive as to whether the variant alters gene splicing. In the absence of RNA/functional studies, the actual effect of this sequence change is unknown.; Observed in 0.0162% (33/203140 alleles) in large population cohorts (Lek et al., 2016)

NM_001111125.3(IQSEC2):c.999+4C>T

Gene: IQSEC2 (IQ motif and Sec7 domain ArfGEF 2; minus strand). Cytogenetic location: Xp11.22.
Variant type: single nucleotide variant.
Coding change: c.999+4C>T on transcript NM_001111125.3 (MANE Select); 4 bases into the intron after coding-DNA position 999, C replaced by T.
Molecular consequence: intron variant.
Genome position (GRCh38, 1-based): chrX:53,255,796, G>A on the plus strand (C>T on the coding strand, the complement: IQSEC2 is on the minus strand). VCF-style: chrX-53255796-G-A. GRCh37 (hg19) VCF-style: chrX-53284978-G-A.
Other names: c.384+4C>T (NM_015075.2).
Identifiers: ClinVar variation 1289548 (VCV001289548.2), dbSNP rs199648681, ClinGen allele CA10420118.